The following is an entry in ClinVar:

ClinVar aggregate classification (germline): Benign/Likely benign. Review status: criteria provided, multiple submitters, no conflicts (2 of 4 stars). 2 submissions from 2 submitters: Benign (1); Likely benign (1). Last evaluated 2025-03-18.

Conditions:
Familial cancer of breast. Also called: hereditary breast carcinoma; BREAST CANCER, FAMILIAL; Hereditary breast cancer. Identifiers: Orphanet 227535, MedGen C0346153, MONDO:0016419, OMIM 114480. Disease mechanism: loss of function.
Hereditary cancer-predisposing syndrome. Also called: Tumor predisposition; Hereditary Cancer Syndrome; Hereditary neoplastic syndrome; Neoplastic Syndromes, Hereditary. Identifiers: Orphanet 140162, MedGen C0027672, MeSH D009386, MONDO:0015356.

Submissions (2):

Ambry Genetics
Classification: Likely benign for Hereditary cancer-predisposing syndrome. Last evaluated: 2025-03-18. Review status: criteria provided, single submitter. Criteria: Ambry Variant Classification Scheme 2023. Collection method: clinical testing. Allele origin: germline.

Myriad Genetics, Inc.
Classification: Benign for Familial cancer of breast. Last evaluated: 2024-06-13. Review status: criteria provided, single submitter. Criteria: Myriad Autosomal Dominant, Autosomal Recessive and X-Linked Classification Criteria (2023). Collection method: clinical testing. Allele origin: unknown.
Comment: This variant is considered benign. This variant is a silent/synonymous amino acid change and it is not expected to impact splicing.

NM_000051.4(ATM):c.7101T>G (p.Val2367=)

Genes: ATM (ATM serine/threonine kinase; plus strand), C11orf65 (chromosome 11 open reading frame 65; minus strand). Cytogenetic location: 11q22.3.
Variant type: single nucleotide variant.
Coding change: c.7101T>G on transcript NM_000051.4 (MANE Select); coding-DNA position 7101, T replaced by G.
Protein change: p.Val2367=; no amino-acid change (valine 2367 retained).
Molecular consequence: synonymous variant. On other transcripts: intron variant (2).
Genome position (GRCh38, 1-based): chr11:108,329,032, T>G. VCF-style: chr11-108329032-T-G. GRCh37 (hg19) VCF-style: chr11-108199759-T-G.
Other names: c.7101T>G, p.Val2367= (NM_001351834.2); c.641-19961A>C (NM_001330368.2); c.*38+6188A>C (NM_001351110.2).
Identifiers: ClinVar variation 3253921 (VCV003253921.2), dbSNP rs2547246729.
Genomic context (GRCh38, chr11:108,329,032, plus strand): 5'-GTATTTAGTATTTGTAAATATAATTTAAATTGGTTGTGTTTTCTTGAAGGCAGTAGAAGT[T>G]GCTGGAAATTATGATGGAGAAAGTAGTGATGAGCTAAGAAATGGAAAAATGAAGGCATTT-3'
Protein context (NP_000042.3, residues 2357-2377): MQTYLEKAVE[Val2367=]AGNYDGESSD